The following is an entry in ClinVar:

NM_001130004.2(ACTN1):c.1532A>G (p.Tyr511Cys)

Gene: ACTN1 (actinin alpha 1; minus strand). Cytogenetic location: 14q24.1.
Variant type: single nucleotide variant.
Coding change: c.1532A>G on transcript NM_001130004.2 (MANE Select); coding-DNA position 1532, A replaced by G.
Protein change: p.Tyr511Cys; replaces tyrosine 511 with cysteine.
Molecular consequence: missense variant.
Genome position (GRCh38, 1-based): chr14:68,884,271, T>C on the plus strand (A>G on the coding strand, the complement: ACTN1 is on the minus strand). VCF-style: chr14-68884271-T-C. GRCh37 (hg19) VCF-style: chr14-69350988-T-C.
Other names: c.1529A>G, p.Tyr510Cys (NM_001424017.1); c.1493A>G, p.Tyr498Cys (NM_001424018.1); c.1532A>G, p.Tyr511Cys (NM_001424019.1, NM_001424023.1, NM_001424024.1 and 7 more transcripts); c.1469A>G, p.Tyr490Cys (NM_001424020.1, NM_001424022.1); c.1463A>G, p.Tyr488Cys (NM_001424021.1); c.1337A>G, p.Tyr446Cys (NM_001424026.1, NM_001424028.1, NM_001411036.1); c.707A>G, p.Tyr236Cys (NM_001424030.1); c.1556A>G, p.Tyr519Cys (NM_001411035.1, NM_001424016.1); and 2 more; short protein forms Y236C, Y446C, Y488C, Y490C, Y498C, Y510C, Y511C, Y519C.
Identifiers: ClinVar variation 3627158 (VCV003627158.2).

ClinVar aggregate classification (germline): Uncertain significance (1 of 4 stars; one submission).

gnomAD v4.1: 11 of 1,614,052 alleles (0.00068%); highest among the groups gnomAD compares: African/African-American, 0.0053%; no homozygotes.

Submission:

Labcorp Genetics (formerly Invitae), Labcorp
Classification: Uncertain significance. Last evaluated: 2024-10-12. Review status: criteria provided, single submitter. Criteria: Invitae Variant Classification Sherloc (09022015). Collection method: clinical testing. Allele origin: germline.
Comment: This sequence change replaces tyrosine, which is neutral and polar, with cysteine, which is neutral and slightly polar, at codon 511 of the ACTN1 protein (p.Tyr511Cys). This variant is present in population databases (rs763196036, gnomAD 0.02%). This variant has not been reported in the literature in individuals affected with ACTN1-related conditions. Invitae Evidence Modeling of protein sequence and biophysical properties (such as structural, functional, and spatial information, amino acid conservation, physicochemical variation, residue mobility, and thermodynamic stability) indicates that this missense variant is not expected to disrupt ACTN1 protein function with a negative predictive value of 80%. In summary, the available evidence is currently insufficient to determine the role of this variant in disease. Therefore, it has been classified as a Variant of Uncertain Significance.